The following is an entry in ClinVar:

ClinVar aggregate classification (germline): Uncertain significance. Review status: criteria provided, multiple submitters, no conflicts (2 of 4 stars). 2 submissions from 2 submitters: Uncertain significance (2). Last evaluated 2024-07-11.

Allele frequency attached by ClinVar (database versions not stated): gnomAD exomes below 0.00001; TOPMed 0.00002; ExAC 0.00003; gnomAD 0.00003; 1000 Genomes Project 30x 0.00031; 1000 Genomes Project 0.00040.
gnomAD v4.1: 12 of 1,613,684 alleles (0.00074%); highest among the groups gnomAD compares: East Asian, 0.025%; no homozygotes.

Submissions (2):

Blueprint Genetics
Classification: Uncertain significance. Last evaluated: 2024-07-11. Review status: criteria provided, single submitter. Criteria: ACMG Guidelines, 2015. Collection method: clinical testing. Allele origin: germline.

Labcorp Genetics (formerly Invitae), Labcorp
Classification: Uncertain significance. Last evaluated: 2022-02-22. Review status: criteria provided, single submitter. Criteria: Invitae Variant Classification Sherloc (09022015). Collection method: clinical testing. Allele origin: germline.
Comment: This sequence change replaces tyrosine, which is neutral and polar, with histidine, which is basic and polar, at codon 3745 of the USH2A protein (p.Tyr3745His). This variant is present in population databases (rs199868558, gnomAD 0.05%). This missense change has been observed in individual(s) with retinitis pigmentosa (PMID: 30948794). Algorithms developed to predict the effect of missense changes on protein structure and function are either unavailable or do not agree on the potential impact of this missense change (SIFT: "Deleterious"; PolyPhen-2: "Probably Damaging"; Align-GVGD: "Class C0"). Algorithms developed to predict the effect of sequence changes on RNA splicing suggest that this variant may disrupt the consensus splice site. In summary, the available evidence is currently insufficient to determine the role of this variant in disease. Therefore, it has been classified as a Variant of Uncertain Significance.

Literature cited by the submitters: PubMed 30948794 (cited by Labcorp Genetics (formerly Invitae), Labcorp).

NM_206933.4(USH2A):c.11233T>C (p.Tyr3745His)

Gene: USH2A (usherin; minus strand). Cytogenetic location: 1q41.
Variant type: single nucleotide variant.
Coding change: c.11233T>C on transcript NM_206933.4 (MANE Select); coding-DNA position 11233, T replaced by C.
Protein change: p.Tyr3745His; replaces tyrosine 3745 with histidine.
Molecular consequence: missense variant.
Genome position (GRCh38, 1-based): chr1:215,758,751, A>G on the plus strand (T>C on the coding strand, the complement: USH2A is on the minus strand). VCF-style: chr1-215758751-A-G. GRCh37 (hg19) VCF-style: chr1-215932093-A-G.
Other names: short protein forms Y3745H.
Identifiers: ClinVar variation 2152895 (VCV002152895.2), dbSNP rs199868558, ClinGen allele CA1393782.
Genomic context (GRCh38, chr1:215,758,751, plus strand): 5'-CAATGTAATCATCACTAGCACTGCTGCCACCTCCAGTTTTGACTTCTAACTTGTAAGTGT[A>G]TCTATATTTAAAAAGAAAGAAGAATTGTGGTAAGGCCATGCACAAGAGACTTGAACAATG-3'
Protein context (NP_996816.3, residues 3735-3755): TDKNLEPNSR[Tyr3745His]TYKLEVKTGG